The following is an entry in ClinVar:

ClinVar aggregate classification (germline): Uncertain significance (1 of 4 stars; one submission).

Conditions:
Mucopolysaccharidosis type 1. Also called: Mucopolysaccharidosis Type I; IDUA deficiency; MPS I. Identifiers: Orphanet 579, MedGen C0023786, MONDO:0001586.

gnomAD v4.1: 1 of 1,485,614 alleles (0.000067%); highest among the groups gnomAD compares: Admixed American, 0.0022%; no homozygotes.

Submission:

Labcorp Genetics (formerly Invitae), Labcorp
Classification: Uncertain significance for Mucopolysaccharidosis type 1. Last evaluated: 2024-10-23. Review status: criteria provided, single submitter. Criteria: Invitae Variant Classification Sherloc (09022015). Collection method: clinical testing. Allele origin: germline.
Comment: This sequence change replaces valine, which is neutral and non-polar, with methionine, which is neutral and non-polar, at codon 405 of the IDUA protein (p.Val405Met). This variant is not present in population databases (gnomAD no frequency). This variant has not been reported in the literature in individuals affected with IDUA-related conditions. ClinVar contains an entry for this variant (Variation ID: 1971936). Invitae Evidence Modeling of protein sequence and biophysical properties (such as structural, functional, and spatial information, amino acid conservation, physicochemical variation, residue mobility, and thermodynamic stability) has been performed for this missense variant. However, the output from this modeling did not meet the statistical confidence thresholds required to predict the impact of this variant on IDUA protein function. In summary, the available evidence is currently insufficient to determine the role of this variant in disease. Therefore, it has been classified as a Variant of Uncertain Significance.

NM_000203.5(IDUA):c.1213G>A (p.Val405Met)

Gene: IDUA (alpha-L-iduronidase; plus strand). Cytogenetic location: 4p16.3.
Variant type: single nucleotide variant.
Coding change: c.1213G>A on transcript NM_000203.5 (MANE Select); coding-DNA position 1213, G replaced by A.
Protein change: p.Val405Met; replaces valine 405 with methionine.
Molecular consequence: missense variant. On other transcripts: non-coding transcript variant (1).
Genome position (GRCh38, 1-based): chr4:1,002,755, G>A. VCF-style: chr4-1002755-G-A. GRCh37 (hg19) VCF-style: chr4-996543-G-A.
Other names: c.817G>A, p.Val273Met (NM_001363576.1); short protein forms V273M, V405M.
Identifiers: ClinVar variation 1971936 (VCV001971936.4), dbSNP rs2534092373, ClinGen allele CA355963569.